The following is an entry in ClinVar:

NM_015338.6(ASXL1):c.2456del (p.Gly819fs)

Gene: ASXL1 (ASXL transcriptional regulator 1; plus strand). Cytogenetic location: 20q11.21.
Variant type: Deletion.
Coding change: c.2456del on transcript NM_015338.6 (MANE Select); coding-DNA position 2456, one base deleted (G; older notation c.2456delG).
Protein change: p.Gly819fs; shifts the reading frame from glycine 819.
Molecular consequence: frameshift variant.
Genome position (GRCh38, 1-based): chr20:32,435,168, G deleted; the last of 3 consecutive G bases (chr20:32,435,166-32,435,168); deleting any one gives the same sequence. VCF-style (leftmost placement, unchanged base first): chr20-32435165-TG-T. GRCh37 (hg19) VCF-style: chr20-31022968-TG-T.
Other names: c.2273del, p.Gly758fs (NM_001363734.1); short protein forms G758fs, G819fs.
Identifiers: ClinVar variation 3062120 (VCV003062120.1), dbSNP rs2515564525, ClinGen allele CA891842339.

ClinVar aggregate classification (germline): Pathogenic (1 of 4 stars; one submission).

Conditions:
Bohring-Opitz syndrome. Also called: C-LIKE SYNDROME; BOHRING SYNDROME; OPITZ TRIGONOCEPHALY-LIKE SYNDROME; ASXL1-Related Bohring-Opitz Syndrome. Identifiers: Orphanet 97297, MedGen C0796232, MONDO:0011510, OMIM 605039.

Submission:

Illumina Laboratory Services, Illumina
Classification: Pathogenic for Bohring-Opitz syndrome. Last evaluated: 2019-04-30. Review status: criteria provided, single submitter. Criteria: ICSLVariantClassificationCriteria RUGD 01 April 2020. Collection method: clinical testing. Allele origin: unknown.
Comment: The ASXL1 c.2456delG p.(Gly819GlufsTer5) variant causes a shift in the protein reading frame that is predicted to result in premature termination of the protein. Loss of normal protein function through either protein truncation or nonsense-mediated mRNA decay is expected. To our knowledge, this variant has not been reported in the peer-reviewed literature. This variant is not found in Genome Aggregation Database (version 2.1.1). Based on the available evidence, the c.2456delG p.(Gly819GlufsTer5) variant is classified as pathogenic for Bohring-Optiz syndrome.